The following is an entry in ClinVar:

ClinVar aggregate classification (germline): Uncertain significance (1 of 4 stars; one submission).

Conditions:
H syndrome. Also called: FAISALABAD HISTIOCYTOSIS; Histiocytosis with joint contractures and sensorineural deafness; Pigmented hypertrichosis and insulin-dependent diabetes mellitus; HISTIOCYTOSIS AND LYMPHADENOPATHY WITH OR WITHOUT CUTANEOUS, CARDIAC, AND/OR ENDOCRINE FEATURES, JOINT CONTRACTURES, AND/OR DEAFNESS; HYPERPIGMENTATION, CUTANEOUS, WITH HYPERTRICHOSIS, HEPATOSPLENOMEGALY, HEART ANOMALIES, AND HYPOGONADISM WITH OR WITHOUT HEARING LOSS; PIGMENTED HYPERTRICHOSIS WITH INSULIN-DEPENDENT DIABETES MELLITUS. Identifiers: Orphanet 168569, MedGen C1864445, MONDO:0011273, OMIM 602782.

Submission:

Labcorp Genetics (formerly Invitae), Labcorp
Classification: Uncertain significance for H syndrome. Last evaluated: 2021-09-29. Review status: criteria provided, single submitter. Criteria: Invitae Variant Classification Sherloc (09022015). Collection method: clinical testing. Allele origin: germline.
Comment: In summary, the available evidence is currently insufficient to determine the role of this variant in disease. Therefore, it has been classified as a Variant of Uncertain Significance. Algorithms developed to predict the effect of missense changes on protein structure and function (SIFT, PolyPhen-2, Align-GVGD) all suggest that this variant is likely to be tolerated. This variant has not been reported in the literature in individuals affected with SLC29A3-related conditions. This variant is not present in population databases (ExAC no frequency). This sequence change replaces aspartic acid with asparagine at codon 98 of the SLC29A3 protein (p.Asp98Asn). The aspartic acid residue is moderately conserved and there is a small physicochemical difference between aspartic acid and asparagine.

NM_018344.6(SLC29A3):c.292G>A (p.Asp98Asn)

Gene: SLC29A3 (solute carrier family 29 member 3; plus strand). Cytogenetic location: 10q22.1.
Variant type: single nucleotide variant.
Coding change: c.292G>A on transcript NM_018344.6 (MANE Select); coding-DNA position 292, G replaced by A.
Protein change: p.Asp98Asn; replaces aspartic acid 98 with asparagine.
Molecular consequence: missense variant. On other transcripts: non-coding transcript variant (2).
Genome position (GRCh38, 1-based): chr10:71,323,046, G>A. VCF-style: chr10-71323046-G-A. GRCh37 (hg19) VCF-style: chr10-73082803-G-A.
Other names: c.292G>A, p.Asp98Asn (NM_001174098.2); c.58G>A, p.Asp20Asn (NM_001363518.2); short protein forms D20N, D98N.
Identifiers: ClinVar variation 1383671 (VCV001383671.6), dbSNP rs2131797127, ClinGen allele CA377129483.